The following is an entry in ClinVar:

ClinVar aggregate classification (germline): Likely pathogenic (0 of 4 stars; one submission).

Conditions:
NPHP4-related disorder. Also called: NPHP4-related condition; NPHP4-related disorders. Identifiers: MedGen CN239384.

Submission:

PreventionGenetics, part of Exact Sciences
Classification: Likely pathogenic for NPHP4-related condition. Last evaluated: 2023-12-27. Review status: no assertion criteria provided. Collection method: clinical testing. Allele origin: germline.
Comment: The NPHP4 c.2193delG variant is predicted to result in a frameshift and premature protein termination (p.Lys731Asnfs*37). To our knowledge, this variant has not been reported in the literature or in a large population database, indicating this variant is rare. Frameshift variants in NPHP4 are expected to be pathogenic. This variant is interpreted as likely pathogenic.

NM_015102.5(NPHP4):c.2193del (p.Lys731fs)

Gene: NPHP4 (nephrocystin 4; minus strand). Cytogenetic location: 1p36.31.
Variant type: Deletion.
Coding change: c.2193del on transcript NM_015102.5 (MANE Select); coding-DNA position 2193, one base deleted (G; older notation c.2193delG).
Protein change: p.Lys731fs; shifts the reading frame from lysine 731.
Molecular consequence: frameshift variant. On other transcripts: non-coding transcript variant (1).
Genome position (GRCh38, 1-based): chr1:5,890,979, C deleted on the plus strand (G on the coding strand, the reverse complement: NPHP4 is on the minus strand). VCF-style (leftmost placement, unchanged base first): chr1-5890978-GC-G. GRCh37 (hg19) VCF-style: chr1-5951038-GC-G.
Other names: c.654del, p.Lys218fs (NM_001291593.2); c.657del, p.Lys219fs (NM_001291594.2); short protein forms K218fs, K219fs, K731fs.
Identifiers: ClinVar variation 3035066 (VCV003035066.2), dbSNP rs2523690043, ClinGen allele CA2740090564.